The following is an entry in ClinVar:

ClinVar aggregate classification (germline): Uncertain significance (1 of 4 stars; one submission).

Conditions:
SEMA3C-related disorder. Also called: SEMA3C-related condition.

Submission:

PreventionGenetics, part of Exact Sciences
Classification: Uncertain significance for SEMA3C-related condition. Last evaluated: 2026-06-06. Review status: criteria provided, single submitter. Criteria: ACMG Guidelines, 2015. Collection method: clinical testing. Allele origin: germline.
Comment: The SEMA3C c.163C>T variant is predicted to result in premature protein termination (p.Arg55*). To our knowledge, this variant has not been reported in the literature or in a large population database (gnomAD), indicating this variant is rare. At this time, the clinical significance of this variant is uncertain due to the absence of conclusive functional and genetic evidence.

NM_006379.5(SEMA3C):c.109C>T (p.Arg37Ter)

Gene: SEMA3C (semaphorin 3C; minus strand). Cytogenetic location: 7q21.11.
Variant type: single nucleotide variant.
Coding change: c.109C>T on transcript NM_006379.5 (MANE Select); coding-DNA position 109, C replaced by T.
Protein change: p.Arg37Ter; replaces arginine 37 with a stop codon.
Molecular consequence: nonsense. On other transcripts: 5 prime UTR variant (1).
Genome position (GRCh38, 1-based): chr7:80,828,740, G>A on the plus strand (C>T on the coding strand, the complement: SEMA3C is on the minus strand). VCF-style: chr7-80828740-G-A. GRCh37 (hg19) VCF-style: chr7-80458056-G-A.
Other names: c.163C>T, p.Arg55Ter (NM_001350120.2); c.-66C>T (NM_001350121.2); short protein forms R37*, R55*.
Identifiers: ClinVar variation 4991084 (VCV004991084.1).